The following is an entry in ClinVar:

ClinVar aggregate classification (germline): Uncertain significance (1 of 4 stars; one submission).

Conditions:
Disseminated atypical mycobacterial infection. Identifiers: MedGen C0694566.

Allele frequency attached by ClinVar (database versions not stated): gnomAD 0.00001; ExAC 0.00002; TOPMed 0.00003.
gnomAD v4.1: 20 of 1,613,998 alleles (0.0012%); highest among the groups gnomAD compares: Admixed American, 0.033%; no homozygotes.

Submission:

Labcorp Genetics (formerly Invitae), Labcorp
Classification: Uncertain significance for Disseminated atypical mycobacterial infection. Last evaluated: 2026-01-01. Review status: criteria provided, single submitter. Criteria: Invitae Variant Classification Sherloc (09022015). Collection method: clinical testing. Allele origin: germline.
Comment: This sequence change replaces serine, which is neutral and polar, with threonine, which is neutral and polar, at codon 327 of the IFNGR1 protein (p.Ser327Thr). This variant is present in population databases (rs755921189, gnomAD 0.02%). This variant has not been reported in the literature in individuals affected with IFNGR1-related conditions. ClinVar contains an entry for this variant (Variation ID: 659633). Invitae Evidence Modeling of protein sequence and biophysical properties (such as structural, functional, and spatial information, amino acid conservation, physicochemical variation, residue mobility, and thermodynamic stability) indicates that this missense variant is not expected to disrupt IFNGR1 protein function with a negative predictive value of 80%. In summary, the available evidence is currently insufficient to determine the role of this variant in disease. Therefore, it has been classified as a Variant of Uncertain Significance.

NM_000416.3(IFNGR1):c.979T>A (p.Ser327Thr)

Gene: IFNGR1 (interferon gamma receptor 1; minus strand). Cytogenetic location: 6q23.3.
Variant type: single nucleotide variant.
Coding change: c.979T>A on transcript NM_000416.3 (MANE Select); coding-DNA position 979, T replaced by A.
Protein change: p.Ser327Thr; replaces serine 327 with threonine.
Molecular consequence: missense variant.
Genome position (GRCh38, 1-based): chr6:137,198,522, A>T on the plus strand (T>A on the coding strand, the complement: IFNGR1 is on the minus strand). VCF-style: chr6-137198522-A-T. GRCh37 (hg19) VCF-style: chr6-137519659-A-T.
Other names: c.949T>A, p.Ser317Thr (NM_001363526.1); c.856T>A, p.Ser286Thr (NM_001363527.1); short protein forms S317T, S286T, S327T.
Identifiers: ClinVar variation 659633 (VCV000659633.10), dbSNP rs755921189, ClinGen allele CA4018835.